The following is an entry in ClinVar:

NM_005876.5(SPEG):c.2393A>G (p.Asn798Ser)

Gene: SPEG (striated muscle enriched protein kinase; plus strand). Cytogenetic location: 2q35.
Variant type: single nucleotide variant.
Coding change: c.2393A>G on transcript NM_005876.5 (MANE Select); coding-DNA position 2393, A replaced by G.
Protein change: p.Asn798Ser; replaces asparagine 798 with serine.
Molecular consequence: missense variant.
Genome position (GRCh38, 1-based): chr2:219,451,760, A>G. VCF-style: chr2-219451760-A-G. GRCh37 (hg19) VCF-style: chr2-220316482-A-G.
Other names: short protein forms N798S.
Identifiers: ClinVar variation 1953301 (VCV001953301.6), dbSNP rs547189929, ClinGen allele CA2125822.
Genomic context (GRCh38, chr2:219,451,760, plus strand): 5'-CCCTGCTGCTCAGGGAGGCCAGGGCAGCAGATGCCGGGAGCTATATGGCCACCGCCACCA[A>G]CGAGCTGGGCCAGGCCACCTGTGCCGCCTCACTGACCGTGAGACCCGGTAGGGAGCCCAT-3'
Protein context (NP_005867.3, residues 788-808): DAGSYMATAT[Asn798Ser]ELGQATCAAS

ClinVar aggregate classification (germline): Uncertain significance. Review status: criteria provided, multiple submitters, no conflicts (2 of 4 stars). 2 submissions from 2 submitters: Uncertain significance (2). Last evaluated 2025-09-22.

Conditions:
Inborn genetic diseases. Identifiers: MedGen C0950123, MeSH D030342.

Allele frequency attached by ClinVar (database versions not stated): gnomAD exomes below 0.00001; gnomAD 0.00009; 1000 Genomes Project 0.00020; ExAC 0.00006; TOPMed 0.00012; 1000 Genomes Project 30x 0.00016.
gnomAD v4.1: 21 of 1,556,448 alleles (0.0013%); highest among the groups gnomAD compares: African/African-American, 0.024%; no homozygotes.

Submissions (2):

Labcorp Genetics (formerly Invitae), Labcorp
Classification: Uncertain significance. Last evaluated: 2025-09-22. Review status: criteria provided, single submitter. Criteria: Invitae Variant Classification Sherloc (09022015). Collection method: clinical testing. Allele origin: germline.
Comment: This sequence change replaces asparagine, which is neutral and polar, with serine, which is neutral and polar, at codon 798 of the SPEG protein (p.Asn798Ser). The frequency data for this variant in the population databases is considered unreliable, as metrics indicate poor data quality at this position in the gnomAD database. This variant has not been reported in the literature in individuals affected with SPEG-related conditions. ClinVar contains an entry for this variant (Variation ID: 1953301). An algorithm developed to predict the effect of missense changes on protein structure and function (PolyPhen-2) suggests that this variant is likely to be disruptive. In summary, the available evidence is currently insufficient to determine the role of this variant in disease. Therefore, it has been classified as a Variant of Uncertain Significance.

Ambry Genetics
Classification: Uncertain significance for Inborn genetic diseases. Last evaluated: 2022-11-10. Review status: criteria provided, single submitter. Criteria: Ambry Variant Classification Scheme 2023. Collection method: clinical testing. Allele origin: germline.